The following is an entry in ClinVar:

ClinVar aggregate classification (germline): Uncertain significance. Review status: criteria provided, multiple submitters, no conflicts (2 of 4 stars). 4 submissions from 4 submitters: Uncertain significance (3). 1 of the submissions does not count toward it. Last evaluated 2025-10-24.

Conditions:
Glucose-6-phosphate transport defect (GSD1B). Also called: Glycogen Storage Disease Type Ib; GSD Ib. Identifiers: Orphanet 364, Orphanet 79259, MedGen C0268146, MONDO:0009288, OMIM 232220.
Phosphate transport defect (GSD1C). Also called: GSD Ic; GLYCOGEN STORAGE DISEASE Ic. Identifiers: Orphanet 364, Orphanet 79259, MedGen C0342749, OMIM 232240.
Congenital disorder of glycosylation, type IIw. Identifiers: MedGen C5561986, MONDO:0030437, OMIM 619525.

Allele frequency attached by ClinVar (database versions not stated): gnomAD 0.00001; TOPMed 0.00001; ExAC 0.00002; gnomAD exomes 0.00002 and 0.00003.

Submissions (4):

Labcorp Genetics (formerly Invitae), Labcorp
Classification: Uncertain significance for Glucose-6-phosphate transport defect. Last evaluated: 2025-10-24. Review status: criteria provided, single submitter. Criteria: Invitae Variant Classification Sherloc (09022015). Collection method: clinical testing. Allele origin: germline.
Comment: This sequence change replaces glutamic acid, which is acidic and polar, with glycine, which is neutral and non-polar, at codon 254 of the SLC37A4 protein (p.Glu254Gly). This variant is present in population databases (rs781834348, gnomAD 0.002%). This variant has not been reported in the literature in individuals affected with SLC37A4-related conditions. ClinVar contains an entry for this variant (Variation ID: 966026). Invitae Evidence Modeling of protein sequence and biophysical properties (such as structural, functional, and spatial information, amino acid conservation, physicochemical variation, residue mobility, and thermodynamic stability) indicates that this missense variant is expected to disrupt SLC37A4 protein function with a positive predictive value of 80%. In summary, the available evidence is currently insufficient to determine the role of this variant in disease. Therefore, it has been classified as a Variant of Uncertain Significance.

GeneDx
Classification: Uncertain significance. Last evaluated: 2024-10-03. Review status: criteria provided, single submitter. Criteria: GeneDx Variant Classification Process June 2021. Collection method: clinical testing. Allele origin: germline. Affected: yes.
Comment: Not observed at significant frequency in large population cohorts (gnomAD); Has not been previously published as pathogenic or benign to our knowledge; In-silico analysis is inconclusive as to whether the variant impacts protein structure/function. In the absence of functional studies, the actual effect of this sequence change is unknown

Fulgent Genetics
Classification: Uncertain significance for Glucose-6-phosphate transport defect; Phosphate transport defect; Congenital disorder of glycosylation, type IIw. Last evaluated: 2022-01-12. Review status: criteria provided, single submitter. Criteria: ACMG Guidelines, 2015. Collection method: clinical testing. Allele origin: unknown.

Natera, Inc.
Classification: Uncertain significance for Glycogen storage disease type Ib. Last evaluated: 2020-04-28. Review status: no assertion criteria provided. Collection method: clinical testing. Allele origin: germline. Not counted in ClinVar's aggregate classification.

NM_001164277.2(SLC37A4):c.761A>G (p.Glu254Gly)

Gene: SLC37A4 (solute carrier family 37 member 4; minus strand). Cytogenetic location: 11q23.3.
Variant type: single nucleotide variant.
Coding change: c.761A>G on transcript NM_001164277.2 (MANE Select); coding-DNA position 761, A replaced by G.
Protein change: p.Glu254Gly; replaces glutamic acid 254 with glycine.
Molecular consequence: missense variant.
Genome position (GRCh38, 1-based): chr11:119,026,960, T>C on the plus strand (A>G on the coding strand, the complement: SLC37A4 is on the minus strand). VCF-style: chr11-119026960-T-C. GRCh37 (hg19) VCF-style: chr11-118897670-T-C.
Other names: c.761A>G, p.Glu254Gly (NM_001164278.2, NM_001164280.2, NM_001467.6); c.542A>G, p.Glu181Gly (NM_001164279.2); short protein forms E181G, E254G.
Identifiers: ClinVar variation 966026 (VCV000966026.8), dbSNP rs781834348, ClinGen allele CA6311746.